The following is an entry in ClinVar:

NM_015909.4(NBAS):c.1239A>G (p.Ser413=)

Gene: NBAS (NBAS subunit of NRZ tethering complex; minus strand). Cytogenetic location: 2p24.3.
Variant type: single nucleotide variant.
Coding change: c.1239A>G on transcript NM_015909.4 (MANE Select); coding-DNA position 1239, A replaced by G.
Protein change: p.Ser413=; no amino-acid change (serine 413 retained).
Molecular consequence: synonymous variant. On other transcripts: non-coding transcript variant (1).
Genome position (GRCh38, 1-based): chr2:15,475,789, T>C on the plus strand (A>G on the coding strand, the complement: NBAS is on the minus strand). VCF-style: chr2-15475789-T-C. GRCh37 (hg19) VCF-style: chr2-15615913-T-C.
Other names: c.1239A>G (NM_015909.3).
Identifiers: ClinVar variation 1156255 (VCV001156255.13), dbSNP rs145163526, ClinGen allele CA1536737.

ClinVar aggregate classification (germline): Likely benign. Review status: criteria provided, multiple submitters, no conflicts (2 of 4 stars). 4 submissions from 4 submitters: Likely benign (3). 1 of the submissions does not count toward it. Last evaluated 2026-01-06.

Conditions:
NBAS-related disorder. Also called: NBAS-related condition.

Allele frequency attached by ClinVar (database versions not stated): ExAC 0.00009; gnomAD 0.00017; ESP Exome Variant Server 0.00031.
gnomAD v4.1: 397 of 1,613,974 alleles (0.025%); highest among the groups gnomAD compares: Middle Eastern, 0.066%; no homozygotes.

Submissions (4):

Labcorp Genetics (formerly Invitae), Labcorp
Classification: Likely benign. Last evaluated: 2026-01-06. Review status: criteria provided, single submitter. Criteria: Invitae Variant Classification Sherloc (09022015). Collection method: clinical testing. Allele origin: germline.

Blueprint Genetics
Classification: Likely benign. Last evaluated: 2023-09-11. Review status: criteria provided, single submitter. Criteria: ACMG Guidelines, 2015. Collection method: clinical testing. Allele origin: germline.

Breakthrough Genomics
Classification: Likely benign. Review status: criteria provided, single submitter. Criteria: ACMG Guidelines, 2015. Collection method: not provided. Allele origin: germline. Inheritance: Autosomal recessive inheritance. Affected: yes.

PreventionGenetics, part of Exact Sciences
Classification: Likely benign for NBAS-related condition. Last evaluated: 2024-02-22. Review status: no assertion criteria provided. Collection method: clinical testing. Allele origin: germline. Not counted in ClinVar's aggregate classification.
Comment: This variant is classified as likely benign based on ACMG/AMP sequence variant interpretation guidelines (Richards et al. 2015 PMID: 25741868, with internal and published modifications).